The following is an entry in ClinVar:

NM_017763.6(RNF43):c.1258C>T (p.His420Tyr)

Gene: RNF43 (ring finger protein 43; minus strand). Cytogenetic location: 17q22.
Variant type: single nucleotide variant.
Coding change: c.1258C>T on transcript NM_017763.6 (MANE Select); coding-DNA position 1258, C replaced by T.
Protein change: p.His420Tyr; replaces histidine 420 with tyrosine.
Molecular consequence: missense variant.
Genome position (GRCh38, 1-based): chr17:58,358,518, G>A on the plus strand (C>T on the coding strand, the complement: RNF43 is on the minus strand). VCF-style: chr17-58358518-G-A. GRCh37 (hg19) VCF-style: chr17-56435879-G-A.
Other names: c.1258C>T, p.His420Tyr (NM_001305544.3, NM_001438820.1, NM_001438821.1 and 1 more transcripts); c.877C>T, p.His293Tyr (NM_001305545.2, NM_001437987.1); short protein forms H293Y, H420Y.
Identifiers: ClinVar variation 4863393 (VCV004863393.1).

ClinVar aggregate classification (germline): Uncertain significance (1 of 4 stars; one submission).

gnomAD v4.1: 1 of 1,613,660 alleles (0.000062%); highest among the groups gnomAD compares: Non-Finnish European, 0.000085%; no homozygotes.

Submission:

Ambry Genetics
Classification: Uncertain significance. Last evaluated: 2026-04-08. Review status: criteria provided, single submitter. Criteria: Ambry Variant Classification Scheme 2023. Collection method: clinical testing. Allele origin: germline.
Comment: The p.H420Y variant (also known as c.1258C>T), located in coding exon 8 of the RNF43 gene, results from a C to T substitution at nucleotide position 1258. The histidine at codon 420 is replaced by tyrosine, an amino acid with similar properties. This amino acid position is conserved. In addition, this alteration is predicted to be tolerated by in silico analysis. Based on the available evidence, the clinical significance of this variant remains unclear.